The following is an entry in ClinVar:

NM_025114.4(CEP290):c.2052+4A>T

Gene: CEP290 (centrosomal protein 290; minus strand). Cytogenetic location: 12q21.32.
Variant type: single nucleotide variant.
Coding change: c.2052+4A>T on transcript NM_025114.4 (MANE Select); 4 bases into the intron after coding-DNA position 2052, A replaced by T.
Molecular consequence: intron variant.
Genome position (GRCh38, 1-based): chr12:88,114,416, T>A on the plus strand (A>T on the coding strand, the complement: CEP290 is on the minus strand). VCF-style: chr12-88114416-T-A. GRCh37 (hg19) VCF-style: chr12-88508193-T-A.
Identifiers: ClinVar variation 2944971 (VCV002944971.3), dbSNP rs2500813056, ClinGen allele CA2575243400.

ClinVar aggregate classification (germline): Likely pathogenic (1 of 4 stars; one submission).

Conditions:
Joubert syndrome. Also called: CEREBELLOPARENCHYMAL DISORDER IV; JOUBERT-BOLTSHAUSER SYNDROME; Familial aplasia of the vermis. Identifiers: Orphanet 475, MedGen C5979921, MONDO:0018772.
Nephronophthisis. Also called: Juvenile Nephronophthisis. Identifiers: Orphanet 655, MedGen C0687120, MONDO:0019005, HP:0000090.
Meckel-Gruber syndrome. Also called: DYSENCEPHALIA SPLANCHNOCYSTICA; GRUBER SYNDROME; Dysencephalia splachnocystica. Identifiers: Orphanet 564, MedGen C0265215, MONDO:0018921.

Submission:

Labcorp Genetics (formerly Invitae), Labcorp
Classification: Likely pathogenic for Joubert syndrome; Meckel-Gruber syndrome; Nephronophthisis. Last evaluated: 2023-07-03. Review status: criteria provided, single submitter. Criteria: Invitae Variant Classification Sherloc (09022015). Collection method: clinical testing. Allele origin: germline.
Comment: In summary, the currently available evidence indicates that the variant is pathogenic, but additional data are needed to prove that conclusively. Therefore, this variant has been classified as Likely Pathogenic. Variants that disrupt the consensus splice site are a relatively common cause of aberrant splicing (PMID: 17576681, 9536098). Algorithms developed to predict the effect of sequence changes on RNA splicing suggest that this variant may disrupt the consensus splice site. This variant has been observed in individual(s) with Joubert syndrome (Invitae). In at least one individual the data is consistent with being in trans (on the opposite chromosome) from a pathogenic variant. This variant is not present in population databases (gnomAD no frequency). This sequence change falls in intron 20 of the CEP290 gene. It does not directly change the encoded amino acid sequence of the CEP290 protein. It affects a nucleotide within the consensus splice site.

Literature cited by the submitters: PubMed 17576681; PubMed 9536098.